The following is an entry in ClinVar:

NM_006445.4(PRPF8):c.2382C>T (p.Tyr794=)

Gene: PRPF8 (pre-mRNA processing factor 8; minus strand). Cytogenetic location: 17p13.3.
Variant type: single nucleotide variant.
Coding change: c.2382C>T on transcript NM_006445.4 (MANE Select); coding-DNA position 2382, C replaced by T.
Protein change: p.Tyr794=; no amino-acid change (tyrosine 794 retained).
Molecular consequence: synonymous variant.
Genome position (GRCh38, 1-based): chr17:1,676,511, G>A on the plus strand (C>T on the coding strand, the complement: PRPF8 is on the minus strand). VCF-style: chr17-1676511-G-A. GRCh37 (hg19) VCF-style: chr17-1579805-G-A.
Identifiers: ClinVar variation 892497 (VCV000892497.12), dbSNP rs368348291, ClinGen allele CA8272139.

ClinVar aggregate classification (germline): Benign/Likely benign. Review status: criteria provided, multiple submitters, no conflicts (2 of 4 stars). 3 submissions from 3 submitters: Benign (1); Likely benign (2). Last evaluated 2024-09-02.

Conditions:
Retinitis pigmentosa (RP). Identifiers: Orphanet 791, MedGen C0035334, MeSH D012174, MONDO:0019200, OMIM 268000. Inheritance: Autosomal dominant, autosomal recessive and X linked inheritance.

Allele frequency attached by ClinVar (database versions not stated): gnomAD 0.00001 and 0.00005; TOPMed 0.00004; ESP Exome Variant Server 0.00008; gnomAD exomes 0.00008 and 0.00019; ExAC 0.00024; 1000 Genomes Project 30x 0.00062; 1000 Genomes Project 0.00080.
gnomAD v4.1: 134 of 1,614,030 alleles (0.0083%); highest among the groups gnomAD compares: South Asian, 0.092%; no homozygotes.

Submissions (3):

Blueprint Genetics
Classification: Likely benign. Last evaluated: 2024-09-02. Review status: criteria provided, single submitter. Criteria: ACMG Guidelines, 2015. Collection method: clinical testing. Allele origin: germline.

Labcorp Genetics (formerly Invitae), Labcorp
Classification: Benign. Last evaluated: 2024-01-26. Review status: criteria provided, single submitter. Criteria: Invitae Variant Classification Sherloc (09022015). Collection method: clinical testing. Allele origin: germline.

Illumina Laboratory Services, Illumina
Classification: Likely benign for Retinitis pigmentosa. Last evaluated: 2018-01-12. Review status: criteria provided, single submitter. Criteria: ICSL Variant Classification Criteria 13 December 2019. Collection method: clinical testing. Allele origin: germline.
Comment: This variant was observed in the ICSL laboratory as part of a predisposition screen in an ostensibly healthy population. It had not been previously curated by ICSL or reported in the Human Gene Mutation Database (HGMD: prior to June 1st, 2018), and was therefore a candidate for classification through an automated scoring system. Utilizing variant allele frequency, disease prevalence and penetrance estimates, and inheritance mode, an automated score was calculated to assess if this variant is too frequent to cause the disease. Based on the score and internal cut-off values, a variant classified as likely benign is not then subjected to further curation. The score for this variant resulted in a classification of likely benign for this disease.